The following is an entry in ClinVar:

ClinVar aggregate classification (germline): Uncertain significance (1 of 4 stars; one submission).

Conditions:
Malignant hyperthermia, susceptibility to, 5 (MHS5). Also called: CACNA1S-Related Malignant Hyperthermia Susceptibility. Identifiers: Orphanet 423, MedGen C1866077, MONDO:0011163, OMIM 601887.
Hypokalemic periodic paralysis, type 1. Also called: HypoPP; Hypokalemic Periodic Paralysis Type 1 (AD). Identifiers: Orphanet 681, MedGen C3714580, MONDO:0042979, OMIM 170400.

gnomAD v4.1: 1 of 1,614,206 alleles (0.000062%); highest among the groups gnomAD compares: South Asian, 0.0011%; no homozygotes.

Submission:

Labcorp Genetics (formerly Invitae), Labcorp
Classification: Uncertain significance for Hypokalemic periodic paralysis, type 1; Malignant hyperthermia, susceptibility to, 5. Last evaluated: 2021-09-02. Review status: criteria provided, single submitter. Criteria: Invitae Variant Classification Sherloc (09022015). Collection method: clinical testing. Allele origin: germline.
Comment: This sequence change replaces isoleucine with valine at codon 57 of the CACNA1S protein (p.Ile57Val). The isoleucine residue is highly conserved and there is a small physicochemical difference between isoleucine and valine. This variant is not present in population databases (ExAC no frequency). This variant has not been reported in the literature in individuals affected with CACNA1S-related conditions. Advanced modeling of protein sequence and biophysical properties (such as structural, functional, and spatial information, amino acid conservation, physicochemical variation, residue mobility, and thermodynamic stability) performed at Invitae indicates that this missense variant is not expected to disrupt CACNA1S protein function. In summary, the available evidence is currently insufficient to determine the role of this variant in disease. Therefore, it has been classified as a Variant of Uncertain Significance.

NM_000069.3(CACNA1S):c.169A>G (p.Ile57Val)

Gene: CACNA1S (calcium voltage-gated channel subunit alpha1 S; minus strand). Cytogenetic location: 1q32.1.
Variant type: single nucleotide variant.
Coding change: c.169A>G on transcript NM_000069.3 (MANE Select); coding-DNA position 169, A replaced by G.
Protein change: p.Ile57Val; replaces isoleucine 57 with valine.
Molecular consequence: missense variant.
Genome position (GRCh38, 1-based): chr1:201,110,253, T>C on the plus strand (A>G on the coding strand, the complement: CACNA1S is on the minus strand). VCF-style: chr1-201110253-T-C. GRCh37 (hg19) VCF-style: chr1-201079381-T-C.
Other names: short protein forms I57V.
Identifiers: ClinVar variation 1379896 (VCV001379896.5), dbSNP rs1663048287, ClinGen allele CA344156226.